The following is an entry in ClinVar:

NM_000548.5(TSC2):c.312G>C (p.Leu104=)

Gene: TSC2 (TSC complex subunit 2; plus strand). Cytogenetic location: 16p13.3.
Variant type: single nucleotide variant.
Coding change: c.312G>C on transcript NM_000548.5 (MANE Select); coding-DNA position 312, G replaced by C.
Protein change: p.Leu104=; no amino-acid change (leucine 104 retained).
Molecular consequence: synonymous variant. On other transcripts: intron variant (9), non-coding transcript variant (5), 5 prime UTR variant (14).
Genome position (GRCh38, 1-based): chr16:2,053,428, G>C. VCF-style: chr16-2053428-G-C. GRCh37 (hg19) VCF-style: chr16-2103429-G-C.
Other names: c.-1-2768G>C (NM_001406686.1, NM_001406682.1, NM_001406684.1 and 3 more transcripts); c.226-868G>C (NM_001406670.1, NM_001318827.2, NM_001406678.1); c.-1120G>C (NM_001406689.1, NM_001406690.1, NM_001406691.1 and 2 more transcripts); c.-1426G>C (NM_001406693.1); c.-1001G>C (NM_001406694.1, NM_001406695.1); c.-1108G>C (NM_001406696.1); c.-1296G>C (NM_001406698.1); c.312G>C, p.Leu104= (NM_021055.3, NM_001077183.3, NM_001114382.3 and 10 more transcripts); and 4 more.
Identifiers: ClinVar variation 4071107 (VCV004071107.1).

ClinVar aggregate classification (germline): Benign (1 of 4 stars; one submission).

Conditions:
Tuberous sclerosis 2 (TSC2). Identifiers: Orphanet 805, MedGen C1860707, MONDO:0013199, OMIM 613254.

Submission:

Myriad Genetics, Inc.
Classification: Benign for Tuberous sclerosis 2. Last evaluated: 2025-05-02. Review status: criteria provided, single submitter. Criteria: Myriad Autosomal Dominant, Autosomal Recessive and X-Linked Classification Criteria (2023). Collection method: clinical testing. Allele origin: unknown.
Comment: This variant is considered benign. This variant is a silent/synonymous amino acid change and it is not expected to impact splicing.